The following is an entry in ClinVar:

ClinVar aggregate classification (germline): Uncertain significance. Review status: criteria provided, multiple submitters, no conflicts (2 of 4 stars). 2 submissions from 2 submitters: Uncertain significance (2). Last evaluated 2024-04-06.

Allele frequency attached by ClinVar (database versions not stated): gnomAD below 0.00001 and 0.00001; gnomAD exomes below 0.00001 and 0.00001; ExAC 0.00001.
gnomAD v4.1: 3 of 1,613,014 alleles (0.00019%); highest among the groups gnomAD compares: South Asian, 0.0022%; no homozygotes.

Submissions (2):

Labcorp Genetics (formerly Invitae), Labcorp
Classification: Uncertain significance. Last evaluated: 2024-04-06. Review status: criteria provided, single submitter. Criteria: Invitae Variant Classification Sherloc (09022015). Collection method: clinical testing. Allele origin: germline.
Comment: This sequence change replaces isoleucine, which is neutral and non-polar, with valine, which is neutral and non-polar, at codon 387 of the SLC12A6 protein (p.Ile387Val). This variant is present in population databases (rs781345440, gnomAD 0.006%). This variant has not been reported in the literature in individuals affected with SLC12A6-related conditions. ClinVar contains an entry for this variant (Variation ID: 978541). Advanced modeling of protein sequence and biophysical properties (such as structural, functional, and spatial information, amino acid conservation, physicochemical variation, residue mobility, and thermodynamic stability) performed at Invitae indicates that this missense variant is not expected to disrupt SLC12A6 protein function with a negative predictive value of 80%. In summary, the available evidence is currently insufficient to determine the role of this variant in disease. Therefore, it has been classified as a Variant of Uncertain Significance.

ARUP Laboratories, Molecular Genetics and Genomics, ARUP Laboratories
Classification: Uncertain significance. Last evaluated: 2017-07-11. Review status: criteria provided, single submitter. Criteria: ARUP Molecular Germline Variant Investigation Process. Collection method: clinical testing. Allele origin: germline.
Comment: The p.Ile387Val variant (rs781345440) has not been reported in the medical literature, gene specific variation databases, nor has it been previously identified by our laboratory. This variant is listed in the genome Aggregation Database (gnomAD) with an overall population frequency of 0.0006 percent (identified on 2 out of 246,190 chromosomes). The isoleucine at position 387 is moderately conserved and computational analyses of the effects of the p.Ile387Val variant on protein structure and function predict a neutral effect (SIFT: tolerated, MutationTaster: polymorphism, PolyPhen-2: benign). Altogether, there is not enough evidence to classify the p.Ile387Val variant with certainty.

NM_001365088.1(SLC12A6):c.1159A>G (p.Ile387Val)

Gene: SLC12A6 (solute carrier family 12 member 6; minus strand). Cytogenetic location: 15q14.
Variant type: single nucleotide variant.
Coding change: c.1159A>G on transcript NM_001365088.1 (MANE Select); coding-DNA position 1159, A replaced by G.
Protein change: p.Ile387Val; replaces isoleucine 387 with valine.
Molecular consequence: missense variant.
Genome position (GRCh38, 1-based): chr15:34,252,344, T>C on the plus strand (A>G on the coding strand, the complement: SLC12A6 is on the minus strand). VCF-style: chr15-34252344-T-C. GRCh37 (hg19) VCF-style: chr15-34544545-T-C.
Other names: c.982A>G, p.Ile328Val (NM_001042494.2, NM_001042495.2); c.1132A>G, p.Ile378Val (NM_001042496.2); c.1114A>G, p.Ile372Val (NM_001042497.2); c.1006A>G, p.Ile336Val (NM_005135.2); c.1159A>G, p.Ile387Val (NM_133647.2); short protein forms I328V, I336V, I378V, I387V, I372V.
Identifiers: ClinVar variation 978541 (VCV000978541.11), dbSNP rs781345440, ClinGen allele CA7464369.
Genomic context (GRCh38, chr15:34,252,344, plus strand): 5'-CCCATAACTTTGATGGGACTGTCATGTTGTTAATTTCCTTGGTCTTAGAGCAAACGTCAA[T>C]GTGTCTTGATGAAAGGGTGCGGTTACCCAGCATGCAGACCCTAAGTGAAAAGAAATAGGG-3'
Protein context (NP_001352017.1, residues 377-397): LGNRTLSSRH[Ile387Val]DVCSKTKEIN